The following is an entry in ClinVar:

NM_001256715.2(DNAAF3):c.912+4C>A

Genes: DNAAF3 (dynein axonemal assembly factor 3; minus strand), DNAAF3-AS1 (DNAAF3 antisense RNA 1; plus strand). Cytogenetic location: 19q13.42.
Variant type: single nucleotide variant.
Coding change: c.912+4C>A on transcript NM_001256715.2 (MANE Select); 4 bases into the intron after coding-DNA position 912, C replaced by A.
Molecular consequence: intron variant.
Genome position (GRCh38, 1-based): chr19:55,161,061, G>T on the plus strand (C>A on the coding strand, the complement: DNAAF3 is on the minus strand). VCF-style: chr19-55161061-G-T. GRCh37 (hg19) VCF-style: chr19-55672429-G-T.
Other names: c.1116+4C>A (NM_001256714.1); c.1053+4C>A (NM_178837.4); c.750+4C>A (NM_001256716.2).
Identifiers: ClinVar variation 834427 (VCV000834427.1), dbSNP rs2085819392, ClinGen allele CA509195579.
Genomic context (GRCh38, chr19:55,161,061, plus strand): 5'-GGGCCTTGCGCACCCACCGACCCCCAGCCCCACCTCTACCCCCAGTCCCAGCCTCGCCGC[G>T]CACCTTGACTGGCTGGCCGTTGCTCGTCCGCAGGAGGCTCTCGTCGTCCGCTTCGATGCC-3'

ClinVar aggregate classification (germline): Uncertain significance (1 of 4 stars; one submission).

Conditions:
Primary ciliary dyskinesia. Also called: Ciliary dyskinesia. Identifiers: Orphanet 244, MedGen C0008780, MONDO:0016575, HP:0012265.

Allele frequency attached by ClinVar (database versions not stated): gnomAD exomes below 0.00001.
gnomAD v4.1: 1 of 1,536,532 alleles (0.000065%); highest among the groups gnomAD compares: Non-Finnish European, 0.000087%; no homozygotes.

Submission:

Labcorp Genetics (formerly Invitae), Labcorp
Classification: Uncertain significance for Primary ciliary dyskinesia. Last evaluated: 2019-01-21. Review status: criteria provided, single submitter. Criteria: Invitae Variant Classification Sherloc (09022015). Collection method: clinical testing. Allele origin: germline.
Comment: This sequence change falls in intron 8 of the DNAAF3 gene. It does not directly change the encoded amino acid sequence of the DNAAF3 protein, but it affects a nucleotide within the consensus splice site of the intron. The frequency data for this variant in the population databases is considered unreliable, as metrics indicate insufficient coverage at this position in the ExAC database. This variant has not been reported in the literature in individuals with DNAAF3-related conditions. Nucleotide substitutions within the consensus splice site are a relatively common cause of aberrant splicing (PMID: 17576681, 9536098). Algorithms developed to predict the effect of sequence changes on RNA splicing suggest that this variant is not likely to affect RNA splicing, but this prediction has not been confirmed by published transcriptional studies. In summary, the available evidence is currently insufficient to determine the role of this variant in disease. Therefore, it has been classified as a Variant of Uncertain Significance.